The following is an entry in ClinVar:

ClinVar aggregate classification (germline): Pathogenic (1 of 4 stars; one submission).

Conditions:
Fanconi renotubular syndrome 5. Also called: FANCONI RENOTUBULAR SYNDROME, ACADIAN VARIANT. Identifiers: MedGen C5394473, MONDO:0030056, OMIM 618913.
Mitochondrial complex I deficiency, nuclear type 17. Also called: Mitochondrial complex 1 deficiency, nuclear type 17. Identifiers: MedGen C4748786, MONDO:0032622, OMIM 618239.

Submission:

Juno Genomics, Hangzhou Juno Genomics, Inc
Classification: Pathogenic for Fanconi renotubular syndrome 5; Mitochondrial complex I deficiency, nuclear type 17. Review status: criteria provided, single submitter. Criteria: ACMG Guidelines, 2015. Collection method: clinical testing. Allele origin: germline.
Comment: Absent from controls (or at extremely low frequency if recessive) in Genome Aggregation Database.;Null variant in a gene where loss of function (LOF) is a known mechanism of disease.;For recessive disorders, detected in trans with a pathogenic variant.

NM_152416.4(NDUFAF6):c.233_242del (p.Leu78fs)

Gene: NDUFAF6 (NADH:ubiquinone oxidoreductase complex assembly factor 6; plus strand). Cytogenetic location: 8q22.1.
Variant type: Microsatellite.
Coding change: c.233_242del on transcript NM_152416.4 (MANE Select); coding-DNA positions 233 to 242, 10 bases deleted (TGCTCCCTGC; older notation c.233_242delTGCTCCCTGC).
Protein change: p.Leu78fs; shifts the reading frame from leucine 78.
Molecular consequence: frameshift variant. On other transcripts: 5 prime UTR variant (17), non-coding transcript variant (6), intron variant (1).
Genome position (GRCh38, 1-based): chr8:95,032,030-95,032,039, TGCTCCCTGC deleted; deleting any 10 consecutive bases within chr8:95,032,020-95,032,039 gives the same sequence; the c. name uses the placement nearest the transcript's 3' end. VCF-style (leftmost placement, unchanged base first): chr8-95032019-ATGCTCCCTGC-A. GRCh37 (hg19) VCF-style: chr8-96044247-ATGCTCCCTGC-A.
Other names: c.-58TGCTCCCTGC[1] (NM_001330582.2, NM_001354514.2, NM_001354515.2 and 1 more transcripts); c.77_86del, p.Leu26fs (NM_001354516.2); c.-230TGCTCCCTGC[1] (NM_001354518.2); c.-226TGCTCCCTGC[1] (NM_001354519.2); c.-358TGCTCCCTGC[1] (NM_001354522.2, NM_001354529.2); c.-431TGCTCCCTGC[1] (NM_001354524.2, NM_001354525.2); c.-575TGCTCCCTGC[1] (NM_001354527.2); c.-546TGCTCCCTGC[1] (NM_001354528.2); and 6 more; short protein forms L26fs, L78fs.
Identifiers: ClinVar variation 5007354 (VCV005007354.2).